The following is an entry in ClinVar:

NM_001378457.1(DMXL2):c.3491A>G (p.Asn1164Ser)

Gene: DMXL2 (Dmx like 2; minus strand). Cytogenetic location: 15q21.2.
Variant type: single nucleotide variant.
Coding change: c.3491A>G on transcript NM_001378457.1 (MANE Select); coding-DNA position 3491, A replaced by G.
Protein change: p.Asn1164Ser; replaces asparagine 1164 with serine.
Molecular consequence: missense variant. On other transcripts: non-coding transcript variant (2), intron variant (2).
Genome position (GRCh38, 1-based): chr15:51,499,733, T>C on the plus strand (A>G on the coding strand, the complement: DMXL2 is on the minus strand). VCF-style: chr15-51499733-T-C. GRCh37 (hg19) VCF-style: chr15-51791930-T-C.
Other names: c.3491A>G, p.Asn1164Ser (NM_001174116.3, NM_001378458.1, NM_001378459.1 and 4 more transcripts); c.3251A>G, p.Asn1084Ser (NM_001378464.1); c.2764+7401A>G (NM_001378460.1); c.2765-4599A>G (NM_001174117.3); short protein forms N1084S, N1164S.
Identifiers: ClinVar variation 1363611 (VCV001363611.8), dbSNP rs2140489540, ClinGen allele CA392435710.

ClinVar aggregate classification (germline): Uncertain significance (1 of 4 stars; one submission).

Submission:

Labcorp Genetics (formerly Invitae), Labcorp
Classification: Uncertain significance. Last evaluated: 2022-07-19. Review status: criteria provided, single submitter. Criteria: Invitae Variant Classification Sherloc (09022015). Collection method: clinical testing. Allele origin: germline.
Comment: ClinVar contains an entry for this variant (Variation ID: 1363611). This variant has not been reported in the literature in individuals affected with DMXL2-related conditions. This variant is not present in population databases (gnomAD no frequency). This sequence change replaces asparagine, which is neutral and polar, with serine, which is neutral and polar, at codon 1164 of the DMXL2 protein (p.Asn1164Ser). Algorithms developed to predict the effect of missense changes on protein structure and function (SIFT, PolyPhen-2, Align-GVGD) all suggest that this variant is likely to be tolerated. In summary, the available evidence is currently insufficient to determine the role of this variant in disease. Therefore, it has been classified as a Variant of Uncertain Significance.